The following is an entry in ClinVar:

NM_001303.4(COX10):c.*974C>A

Gene: COX10 (cytochrome c oxidase assembly factor heme A:farnesyltransferase COX10; plus strand). Cytogenetic location: 17p12.
Variant type: single nucleotide variant.
Coding change: c.*974C>A on transcript NM_001303.4 (MANE Select); 974 bases downstream of the stop codon, C replaced by A.
Molecular consequence: 3 prime UTR variant.
Genome position (GRCh38, 1-based): chr17:14,208,187, C>A. VCF-style: chr17-14208187-C-A. GRCh37 (hg19) VCF-style: chr17-14111504-C-A.
Identifiers: ClinVar variation 321837 (VCV000321837.7), dbSNP rs2071245, ClinGen allele CA10648600.

ClinVar aggregate classification (germline): Benign/Likely benign. Review status: criteria provided, multiple submitters, no conflicts (2 of 4 stars). 4 submissions from 3 submitters: Benign (1); Likely benign (3). Last evaluated 2021-05-11.

Conditions:
Mitochondrial complex IV deficiency, nuclear type 1 (MC4DN1). Also called: COX DEFICIENCY; Mitochondrial complex IV deficiency; Complex 4 mitochondrial respiratory chain deficiency; Deficiency of mitochondrial respiratory chain complex4; Complex IV deficiency. Identifiers: MedGen C5435656, MONDO:0700250, OMIM 220110. Disease mechanism: loss of function.
Leigh syndrome (NULS). Also called: Leigh Disease; Subacute necrotizing encephalopathy; Necrotizing encephalopathy infantile subacute of Leigh; Leigh's necrotizing encephalopathy; Leigh's disease; Leigh's syndrome. Identifiers: Orphanet 506, MedGen C2931891, MONDO:0009723, OMIM 256000.

Allele frequency attached by ClinVar (database versions not stated): gnomAD 0.01762 and 0.01969; TOPMed 0.02261; 1000 Genomes Project 30x 0.03919; 1000 Genomes Project 0.03934.

Submissions (4):

GeneDx
Classification: Likely benign. Last evaluated: 2021-05-11. Review status: criteria provided, single submitter. Criteria: GeneDx Variant Classification Process June 2021. Collection method: clinical testing. Allele origin: germline. Affected: yes.

Illumina Laboratory Services, Illumina
Classification: Likely benign for Mitochondrial complex IV deficiency, nuclear type 1. Last evaluated: 2018-01-12. Review status: criteria provided, single submitter. Criteria: ICSL Variant Classification Criteria 13 December 2019. Collection method: clinical testing. Allele origin: germline.
Comment: This variant was observed in the ICSL laboratory as part of a predisposition screen in an ostensibly healthy population. It had not been previously curated by ICSL or reported in the Human Gene Mutation Database (HGMD: prior to June 1st, 2018), and was therefore a candidate for classification through an automated scoring system. Utilizing variant allele frequency, disease prevalence and penetrance estimates, and inheritance mode, an automated score was calculated to assess if this variant is too frequent to cause the disease. Based on the score and internal cut-off values, a variant classified as likely benign is not then subjected to further curation. The score for this variant resulted in a classification of likely benign for this disease.

Illumina Laboratory Services, Illumina
Classification: Benign for Leigh syndrome. Last evaluated: 2018-01-12. Review status: criteria provided, single submitter. Criteria: ICSL Variant Classification Criteria 13 December 2019. Collection method: clinical testing. Allele origin: germline.
Comment: This variant was observed in the ICSL laboratory as part of a predisposition screen in an ostensibly healthy population. It had not been previously curated by ICSL or reported in the Human Gene Mutation Database (HGMD: prior to June 1st, 2018), and was therefore a candidate for classification through an automated scoring system. Utilizing variant allele frequency, disease prevalence and penetrance estimates, and inheritance mode, an automated score was calculated to assess if this variant is too frequent to cause the disease. Based on the score and internal cut-off values, a variant classified as benign is not then subjected to further curation. The score for this variant resulted in a classification of benign for this disease.

Breakthrough Genomics
Classification: Likely benign. Review status: criteria provided, single submitter. Criteria: ACMG Guidelines, 2015. Collection method: not provided. Allele origin: germline. Inheritance: Autosomal recessive inheritance. Affected: yes.